The following is an entry in ClinVar:

ClinVar aggregate classification (germline): Uncertain significance (1 of 4 stars; one submission).

Submission:

GeneDx
Classification: Uncertain significance. Last evaluated: 2024-02-15. Review status: criteria provided, single submitter. Criteria: GeneDx Variant Classification Process June 2021. Collection method: clinical testing. Allele origin: germline. Affected: yes.
Comment: Not observed at significant frequency in large population cohorts (gnomAD); In silico analysis supports that this missense variant does not alter protein structure/function; Has not been previously published as pathogenic or benign to our knowledge

NM_001042750.2(STAG2):c.2332A>G (p.Asn778Asp)

Gene: STAG2 (STAG2 cohesin complex component; plus strand). Cytogenetic location: Xq25.
Variant type: single nucleotide variant.
Coding change: c.2332A>G on transcript NM_001042750.2 (MANE Select); coding-DNA position 2332, A replaced by G.
Protein change: p.Asn778Asp; replaces asparagine 778 with aspartic acid.
Molecular consequence: missense variant.
Genome position (GRCh38, 1-based): chrX:124,068,630, A>G. VCF-style: chrX-124068630-A-G. GRCh37 (hg19) VCF-style: chrX-123202480-A-G.
Other names: c.2332A>G, p.Asn778Asp (NM_001042749.2, NM_001042751.2, NM_001282418.2 and 13 more transcripts); short protein forms N778D.
Identifiers: ClinVar variation 3369067 (VCV003369067.1).